The following is an entry in ClinVar:

NM_000038.6(APC):c.8172C>T (p.Ser2724=)

Gene: APC (APC regulator of Wnt signaling pathway; plus strand). Cytogenetic location: 5q22.2.
Variant type: single nucleotide variant.
Coding change: c.8172C>T on transcript NM_000038.6 (MANE Select); coding-DNA position 8172, C replaced by T.
Protein change: p.Ser2724=; no amino-acid change (serine 2724 retained).
Molecular consequence: synonymous variant. On other transcripts: non-coding transcript variant (2).
Genome position (GRCh38, 1-based): chr5:112,843,766, C>T. VCF-style: chr5-112843766-C-T. GRCh37 (hg19) VCF-style: chr5-112179463-C-T.
Other names: c.8172C>T, p.Ser2724= (NM_001127510.3, NM_001354895.2, NM_001407450.1); c.8118C>T, p.Ser2706= (NM_001127511.3); c.8226C>T, p.Ser2742= (NM_001354896.2, NM_001407447.1, NM_001407448.1 and 1 more transcripts); c.8202C>T, p.Ser2734= (NM_001354897.2); c.8097C>T, p.Ser2699= (NM_001354898.2); c.8088C>T, p.Ser2696= (NM_001354899.2); c.8049C>T, p.Ser2683= (NM_001354900.2); c.7995C>T, p.Ser2665= (NM_001354901.2, NM_001407453.1); and 11 more.
Identifiers: ClinVar variation 3254479 (VCV003254479.1), dbSNP rs2150000409.
Genomic context (GRCh38, chr5:112,843,766, plus strand): 5'-AAATGTGGGTAATGGCAGTGTTCCCATGCGTACCGTGGGTTTGGAAAATCGCCTGAACTC[C>T]TTTATTCAGGTGGATGCCCCTGACCAAAAAGGAACTGAGATAAAACCAGGACAAAATAAT-3'
Protein context (NP_000029.2, residues 2714-2734): RTVGLENRLN[Ser2724=]FIQVDAPDQK

ClinVar aggregate classification (germline): Benign (1 of 4 stars; one submission).

Conditions:
Familial adenomatous polyposis 1 (FAP1). Also called: FAMILIAL ADENOMATOUS POLYPOSIS 1, ATTENUATED; POLYPOSIS, ADENOMATOUS INTESTINAL. Identifiers: MedGen C2713442, MONDO:0021056, OMIM 175100. Disease mechanism: loss of function.

Submission:

Myriad Genetics, Inc.
Classification: Benign for Familial adenomatous polyposis 1. Last evaluated: 2024-04-12. Review status: criteria provided, single submitter. Criteria: Myriad Autosomal Dominant, Autosomal Recessive and X-Linked Classification Criteria (2023). Collection method: clinical testing. Allele origin: unknown.
Comment: This variant is considered benign. This variant is a silent/synonymous amino acid change and it is not expected to impact splicing.